The following is an entry in ClinVar:

NM_004006.3(DMD):c.7327dup (p.Thr2443fs)

Gene: DMD (dystrophin; minus strand). Cytogenetic location: Xp21.1.
Variant type: Duplication.
Coding change: c.7327dup on transcript NM_004006.3 (MANE Select); coding-DNA position 7327, one base duplicated (A; older notation c.7327dupA).
Protein change: p.Thr2443fs; shifts the reading frame from threonine 2443.
Molecular consequence: frameshift variant. On other transcripts: 5 prime UTR variant (5).
Genome position (GRCh38, 1-based): chrX:31,774,175, T duplicated on the plus strand (A on the coding strand, the reverse complement: DMD is on the minus strand). VCF-style (leftmost placement, unchanged base first): chrX-31774174-G-GT. GRCh37 (hg19) VCF-style: chrX-31792291-G-GT.
Other names: c.7303dup, p.Thr2435fs (NM_000109.4); c.7315dup, p.Thr2439fs (NM_004009.3); c.6958dup, p.Thr2320fs (NM_004010.3); c.3304dup, p.Thr1102fs (NM_004011.4); c.3295dup, p.Thr1099fs (NM_004012.4); c.-54dup (NM_004013.3, NM_004020.4, NM_004021.3 and 2 more transcripts); short protein forms T1099fs, T1102fs, T2320fs, T2435fs, T2439fs, T2443fs.
Identifiers: ClinVar variation 4293264 (VCV004293264.2).

ClinVar aggregate classification (germline): Pathogenic. Review status: criteria provided, multiple submitters, no conflicts (2 of 4 stars). 2 submissions from 2 submitters: Pathogenic (2). Last evaluated 2025-11-03.

Conditions:
Duchenne muscular dystrophy (DMD). Also called: MUSCULAR DYSTROPHY, PSEUDOHYPERTROPHIC PROGRESSIVE, DUCHENNE TYPE; Duchenne Muscular Dystrophy (DMD). Identifiers: Orphanet 98896, MedGen C0013264, MONDO:0010679, OMIM 310200.
Progressive muscular dystrophy. Identifiers: Orphanet 206644, MedGen C4551827, MONDO:0016106.

Submissions (2):

Victorian Clinical Genetics Services, Murdoch Childrens Research Institute
Classification: Pathogenic for Progressive muscular dystrophy. Last evaluated: 2025-11-03. Review status: criteria provided, single submitter. Criteria: ACMG Guidelines, 2015. Collection method: clinical testing. Allele origin: germline. Affected: yes.
Comment: This variant is classified as Pathogenic. Evidence in support of pathogenic classification: Variant is predicted to cause nonsense-mediated decay (NMD) and loss of protein (premature termination codon is located at least 54 nucleotides upstream of the final exon-exon junction); Variant is absent from gnomAD (v2, v3 and v4); This variant has limited previous evidence of pathogenicity an unrelated individuals. This variant has been reported in at least one individual with Duchenne muscular dystrophy (DMD; PMID: 25612904); Other NMD-predicted variants comparable to the one identified in this case have very strong previous evidence for pathogenicity (DECIPHER). Additional information: This variant is non-coding in an alternative transcript. This variant is non-coding in two isoforms of DMD (Dp71 and Dp140) that are highly expressed in the brain, but is coding in the MANE select transcript that is ubiquitously expressed (UCSC, PMIDs: 31836945, 28974727, 39673425); This variant is heterozygous; This gene is associated with X-linked disease; Loss of function is a known mechanism of disease in this gene and is associated with progressive muscular dystrophy (MONDO:0016106), DMD-related.

3billion
Classification: Pathogenic for Duchenne muscular dystrophy. Last evaluated: 2024-09-28. Review status: criteria provided, single submitter. Criteria: ACMG Guidelines, 2015. Collection method: clinical testing. Allele origin: germline. Affected: yes.
Comment: The variant is not observed in the gnomAD v4.1.0 dataset. Predicted Consequence/Location: Frameshift: predicted to result in a loss or disruption of normal protein function through nonsense-mediated decay (NMD) or protein truncation. Multiple pathogenic variants are reported downstream of the variant. The variant has been reported to be associated with DMD related disorder (PMID: 25612904). Therefore, this variant is classified as Pathogenic according to the recommendation of ACMG/AMP guideline.

Literature cited by the submitters: PubMed 28974727 (cited by Victorian Clinical Genetics Services, Murdoch Childrens Research Institute); PubMed 25612904 (cited by Victorian Clinical Genetics Services, Murdoch Childrens Research Institute and 3billion); PubMed 39673425 (cited by Victorian Clinical Genetics Services, Murdoch Childrens Research Institute); PubMed 31836945 (cited by Victorian Clinical Genetics Services, Murdoch Childrens Research Institute).